The following is an entry in ClinVar:

NM_014324.6(AMACR):c.966C>T (p.Asp322=)

Genes: AMACR (alpha-methylacyl-CoA racemase; minus strand), C1QTNF3-AMACR (C1QTNF3-AMACR readthrough (NMD candidate); minus strand). Cytogenetic location: 5p13.2.
Variant type: single nucleotide variant.
Coding change: c.966C>T on transcript NM_014324.6 (MANE Select); coding-DNA position 966, C replaced by T.
Protein change: p.Asp322=; no amino-acid change (aspartic acid 322 retained).
Molecular consequence: synonymous variant. On other transcripts: non-coding transcript variant (1), 3 prime UTR variant (1).
Genome position (GRCh38, 1-based): chr5:33,989,276, G>A on the plus strand (C>T on the coding strand, the complement: AMACR is on the minus strand). VCF-style: chr5-33989276-G-A. GRCh37 (hg19) VCF-style: chr5-33989381-G-A.
Other names: c.966C>T, p.Asp322= (NM_001167595.2); c.*208C>T (NM_203382.3).
Identifiers: ClinVar variation 388636 (VCV000388636.7), dbSNP rs906797872, ClinGen allele CA3225984.
Genomic context (GRCh38, chr5:33,989,276, plus strand): 5'-CCTTTTGAAAGAAGGGATGGCTGGGGTGTTTAACAGCAGAGGTGCAGGGCGGGGGCTCAC[G>A]TCCTGCTCCTCACTGGTGATAAACGAGCCCCGTTCCTTGTTGTGATCATGATGAACAACC-3'
Protein context (NP_055139.4, residues 312-332): RGSFITSEEQ[Asp322=]VSPRPAPLLL

ClinVar aggregate classification (germline): Likely benign. Review status: criteria provided, multiple submitters, no conflicts (2 of 4 stars). 4 submissions from 4 submitters: Likely benign (4). Last evaluated 2026-04-16.

Conditions:
AMACR-related disorder. Also called: AMACR-Related Disorders; AMACR-related condition.
Alpha-methylacyl-CoA racemase deficiency (AMACRD). Also called: AMACR deficiency. Identifiers: Orphanet 79095, MedGen C3280428, MONDO:0013681, OMIM 614307. Disease mechanism: loss of function.

Allele frequency attached by ClinVar (database versions not stated): gnomAD 0.00003 and 0.00004; gnomAD exomes 0.00003 and 0.00004; TOPMed 0.00003; ExAC 0.00005.
gnomAD v4.1: 65 of 1,613,986 alleles (0.004%); highest among the groups gnomAD compares: South Asian, 0.0077%; no homozygotes.

Submissions (4):

PreventionGenetics, part of Exact Sciences
Classification: Likely benign for AMACR-related condition. Last evaluated: 2026-04-16. Review status: criteria provided, single submitter. Criteria: ACMG Guidelines, 2015. Collection method: clinical testing. Allele origin: germline.
Comment: This variant is classified as likely benign based on ACMG/AMP sequence variant interpretation guidelines (Richards et al. 2015 PMID: 25741868, with internal and published modifications).

Labcorp Genetics (formerly Invitae), Labcorp
Classification: Likely benign for Alpha-methylacyl-CoA racemase deficiency. Last evaluated: 2025-11-17. Review status: criteria provided, single submitter. Criteria: Invitae Variant Classification Sherloc (09022015). Collection method: clinical testing. Allele origin: germline.

ARUP Laboratories, Molecular Genetics and Genomics, ARUP Laboratories
Classification: Likely benign. Last evaluated: 2024-09-16. Review status: criteria provided, single submitter. Criteria: ARUP Molecular Germline Variant Investigation Process 2024. Collection method: clinical testing. Allele origin: germline.

GeneDx
Classification: Likely benign. Last evaluated: 2016-08-31. Review status: criteria provided, single submitter. Criteria: GeneDx Variant Classification (06012015). Collection method: clinical testing. Allele origin: germline. Affected: yes.
Comment: This variant is considered likely benign or benign based on one or more of the following criteria: it is a conservative change, it occurs at a poorly conserved position in the protein, it is predicted to be benign by multiple in silico algorithms, and/or has population frequency not consistent with disease.